The following is an entry in ClinVar:

ClinVar aggregate classification (germline): Uncertain significance (1 of 4 stars; one submission).

Conditions:
Epileptic encephalopathy. Identifiers: MedGen C0543888, HP:0200134.

Allele frequency attached by ClinVar (database versions not stated): TOPMed below 0.00001; gnomAD 0.00001.
gnomAD v4.1: 5 of 1,610,780 alleles (0.00031%); highest among the groups gnomAD compares: Admixed American, 0.0033%; no homozygotes.

Submission:

Labcorp Genetics (formerly Invitae), Labcorp
Classification: Uncertain significance for Epileptic encephalopathy. Last evaluated: 2024-08-06. Review status: criteria provided, single submitter. Criteria: Invitae Variant Classification Sherloc (09022015). Collection method: clinical testing. Allele origin: germline.
Comment: This sequence change replaces valine, which is neutral and non-polar, with leucine, which is neutral and non-polar, at codon 242 of the FASN protein (p.Val242Leu). This variant is present in population databases (no rsID available, gnomAD 0.006%). This variant has not been reported in the literature in individuals affected with FASN-related conditions. An algorithm developed to predict the effect of missense changes on protein structure and function (PolyPhen-2) suggests that this variant is likely to be tolerated. In summary, the available evidence is currently insufficient to determine the role of this variant in disease. Therefore, it has been classified as a Variant of Uncertain Significance.

NM_004104.5(FASN):c.724G>T (p.Val242Leu)

Gene: FASN (fatty acid synthase; minus strand). Cytogenetic location: 17q25.3.
Variant type: single nucleotide variant.
Coding change: c.724G>T on transcript NM_004104.5 (MANE Select); coding-DNA position 724, G replaced by T.
Protein change: p.Val242Leu; replaces valine 242 with leucine.
Molecular consequence: missense variant.
Genome position (GRCh38, 1-based): chr17:82,092,951, C>A on the plus strand (G>T on the coding strand, the complement: FASN is on the minus strand). VCF-style: chr17-82092951-C-A. GRCh37 (hg19) VCF-style: chr17-80050827-C-A.
Other names: short protein forms V242L.
Identifiers: ClinVar variation 2883905 (VCV002883905.3), dbSNP rs1296419349, ClinGen allele CA401563297.